The following is an entry in ClinVar:

ClinVar aggregate classification (germline): Pathogenic/Likely pathogenic. Review status: criteria provided, multiple submitters, no conflicts (2 of 4 stars). 8 submissions from 8 submitters: Pathogenic (5); Likely pathogenic (3). Last evaluated 2025-10-23.

Conditions:
Hereditary cancer-predisposing syndrome. Also called: Neoplastic Syndromes, Hereditary; Hereditary Cancer Syndrome; Tumor predisposition; Hereditary neoplastic syndrome. Identifiers: Orphanet 140162, MedGen C0027672, MeSH D009386, MONDO:0015356.
MSH3-related disorder. Also called: MSH3-related condition.
Familial adenomatous polyposis 4 (FAP4). Also called: MSH3-related attenuated familial adenomatous polyposis. Identifiers: Orphanet 480536, MedGen C4310719, MONDO:0044300, OMIM 617100.
Endometrial carcinoma. Also called: Endometrial carcinoma, somatic. Identifiers: MedGen C0476089, MONDO:0002447, OMIM 608089, HP:0012114.

gnomAD v4.1: 6 of 1,614,014 alleles (0.00037%); highest among the groups gnomAD compares: Non-Finnish European, 0.00051%; no homozygotes.

Submissions (8):

Labcorp Genetics (formerly Invitae), Labcorp
Classification: Pathogenic. Last evaluated: 2025-10-23. Review status: criteria provided, single submitter. Criteria: Invitae Variant Classification Sherloc (09022015). Collection method: clinical testing. Allele origin: germline.
Comment: This sequence change creates a premature translational stop signal (p.Ser419*) in the MSH3 gene. It is expected to result in an absent or disrupted protein product. Loss-of-function variants in MSH3 are known to be pathogenic (PMID: 27476653, 37402566). This variant is present in population databases (rs578113271, gnomAD 0.0009%). This variant has not been reported in the literature in individuals affected with MSH3-related conditions. ClinVar contains an entry for this variant (Variation ID: 641273). For these reasons, this variant has been classified as Pathogenic.

PreventionGenetics, part of Exact Sciences
Classification: Pathogenic for MSH3-related condition. Last evaluated: 2025-07-28. Review status: criteria provided, single submitter. Criteria: ACMG Guidelines, 2015. Collection method: clinical testing. Allele origin: germline.
Comment: The MSH3 c.1256C>G variant is predicted to result in premature protein termination (p.Ser419*). To our knowledge, this variant has not been reported in the literature or in a large population database (gnomAD), indicating this variant is rare. This variant is classified as pathogenic and likely pathogenic in ClinVar (Variation ID: 641273). Nonsense variants in MSH3 are expected to be pathogenic (Adam et al. 2016. PubMed ID: 27476653). This variant is interpreted as pathogenic.

Ambry Genetics
Classification: Pathogenic for Hereditary cancer-predisposing syndrome. Last evaluated: 2024-05-21. Review status: criteria provided, single submitter. Criteria: Ambry Variant Classification Scheme 2023. Collection method: clinical testing. Allele origin: germline.
Comment: The p.S419* pathogenic mutation (also known as c.1256C>G), located in coding exon 8 of the MSH3 gene, results from a C to G substitution at nucleotide position 1256. This changes the amino acid from a serine to a stop codon within coding exon 8. This variant is considered to be rare based on population cohorts in the Genome Aggregation Database (gnomAD). This alteration is expected to result in loss of function by premature protein truncation or nonsense-mediated mRNA decay. As such, this alteration is interpreted as a disease-causing mutation.

Department of Pathology and Laboratory Medicine, Sinai Health System
Classification: Pathogenic for Endometrial carcinoma; Familial adenomatous polyposis 4. Last evaluated: 2023-11-03. Review status: criteria provided, single submitter. Criteria: ACMG Guidelines, 2015. Collection method: clinical testing. Allele origin: germline. Affected: no.

Myriad Genetics, Inc.
Classification: Pathogenic for Familial adenomatous polyposis 4. Last evaluated: 2023-08-29. Review status: criteria provided, single submitter. Criteria: Myriad Autosomal Dominant, Autosomal Recessive and X-Linked Classification Criteria (2023). Collection method: clinical testing. Allele origin: unknown.
Comment: This variant is considered pathogenic. This variant creates a termination codon and is predicted to result in premature protein truncation.

Baylor Genetics
Classification: Likely pathogenic for Endometrial carcinoma. Last evaluated: 2023-08-20. Review status: criteria provided, single submitter. Criteria: ACMG Guidelines, 2015. Collection method: clinical testing. Allele origin: unknown.

Sema4
Classification: Likely pathogenic for Hereditary cancer-predisposing syndrome. Last evaluated: 2021-08-25. Review status: criteria provided, single submitter. Criteria: Sema4 Curation Guidelines. Collection method: curation. Allele origin: germline.
Comment: The MSH3 c.1256C>G (p.S419X) variant has not been reported in the literature to our knowledge. This nonsense variant creates a premature stop codon at residue 419 of the MSH3 protein. At this location, this is predicted to cause nonsense-mediated decay and result in an absent protein (loss of function). Loss-of-function variants in MSH3 are known to be pathogenic (PMID: 27476653). This variant is not reported in the Genome Aggregation Database (PMID: 32461654). The variant has been reported in ClinVar (Variation ID: 641273). Based on the current evidence available, this variant is interpreted as likely pathogenic.

CeGaT Center for Human Genetics Tuebingen
Classification: Likely pathogenic. Last evaluated: 2021-04-01. Review status: criteria provided, single submitter. Criteria: CeGaT Center For Human Genetics Tuebingen Variant Classification Criteria Version 2. Collection method: clinical testing. Allele origin: germline. Affected: yes. Observed: 1 variant allele.

Literature cited by the submitters: PubMed 27476653 (cited by Labcorp Genetics (formerly Invitae), Labcorp and Sema4); PubMed 37402566 (cited by Labcorp Genetics (formerly Invitae), Labcorp).

NM_002439.5(MSH3):c.1256C>G (p.Ser419Ter)

Gene: MSH3 (mutS homolog 3; plus strand). Cytogenetic location: 5q14.1.
Variant type: single nucleotide variant.
Coding change: c.1256C>G on transcript NM_002439.5 (MANE Select); coding-DNA position 1256, C replaced by G.
Protein change: p.Ser419Ter; replaces serine 419 with a stop codon.
Molecular consequence: nonsense.
Genome position (GRCh38, 1-based): chr5:80,679,009, C>G. VCF-style: chr5-80679009-C-G. GRCh37 (hg19) VCF-style: chr5-79974828-C-G.
Other names: short protein forms S419*.
Identifiers: ClinVar variation 641273 (VCV000641273.50), dbSNP rs578113271, ClinGen allele CA3327842.